The following is an entry in ClinVar:

NM_130837.3(OPA1):c.1451C>G (p.Pro484Arg)

Gene: OPA1 (OPA1 mitochondrial dynamin like GTPase; plus strand). Cytogenetic location: 3q29.
Variant type: single nucleotide variant.
Coding change: c.1451C>G on transcript NM_130837.3 (MANE Select); coding-DNA position 1451, C replaced by G.
Protein change: p.Pro484Arg; replaces proline 484 with arginine.
Molecular consequence: missense variant.
Genome position (GRCh38, 1-based): chr3:193,643,601, C>G. VCF-style: chr3-193643601-C-G. GRCh37 (hg19) VCF-style: chr3-193361390-C-G.
Other names: c.917C>G, p.Pro306Arg (NM_001354663.2); c.914C>G, p.Pro305Arg (NM_001354664.2); c.1286C>G, p.Pro429Arg (NM_015560.3); c.1178C>G, p.Pro393Arg (NM_130831.3); c.1232C>G, p.Pro411Arg (NM_130832.3); c.1289C>G, p.Pro430Arg (NM_130833.3); c.1340C>G, p.Pro447Arg (NM_130834.3); c.1343C>G, p.Pro448Arg (NM_130835.3); and 1 more; short protein forms P429R, P466R, P393R, P430R, P306R, P447R, P305R, P411R.
Identifiers: ClinVar variation 2120484 (VCV002120484.5), dbSNP rs2474874515, ClinGen allele CA355789617.

ClinVar aggregate classification (germline): Uncertain significance. Review status: criteria provided, multiple submitters, no conflicts (2 of 4 stars). 2 submissions from 2 submitters: Uncertain significance (2). Last evaluated 2024-11-07.

Conditions:
Inborn genetic diseases. Identifiers: MedGen C0950123, MeSH D030342.

Submissions (2):

Ambry Genetics
Classification: Uncertain significance for Inborn genetic diseases. Last evaluated: 2024-11-07. Review status: criteria provided, single submitter. Criteria: Ambry Variant Classification Scheme 2023. Collection method: clinical testing. Allele origin: germline.

Labcorp Genetics (formerly Invitae), Labcorp
Classification: Uncertain significance. Last evaluated: 2024-04-17. Review status: criteria provided, single submitter. Criteria: Invitae Variant Classification Sherloc (09022015). Collection method: clinical testing. Allele origin: germline.
Comment: This sequence change replaces proline, which is neutral and non-polar, with arginine, which is basic and polar, at codon 429 of the OPA1 protein (p.Pro429Arg). This variant is not present in population databases (gnomAD no frequency). This variant has not been reported in the literature in individuals affected with OPA1-related conditions. ClinVar contains an entry for this variant (Variation ID: 2120484). Advanced modeling of protein sequence and biophysical properties (such as structural, functional, and spatial information, amino acid conservation, physicochemical variation, residue mobility, and thermodynamic stability) performed at Invitae indicates that this missense variant is expected to disrupt OPA1 protein function with a positive predictive value of 80%. In summary, the available evidence is currently insufficient to determine the role of this variant in disease. Therefore, it has been classified as a Variant of Uncertain Significance.